The following is an entry in ClinVar:

ClinVar aggregate classification (germline): Uncertain significance (1 of 4 stars; one submission).

Conditions:
Cardiovascular phenotype. Identifiers: MedGen CN230736.

Allele frequency attached by ClinVar (database versions not stated): gnomAD exomes 0.00001; TOPMed 0.00001; ExAC 0.00002.
gnomAD v4.1: 17 of 1,613,988 alleles (0.0011%); highest among the groups gnomAD compares: Non-Finnish European, 0.0014%; no homozygotes.

Submission:

Ambry Genetics
Classification: Uncertain significance for Cardiovascular phenotype. Last evaluated: 2022-05-07. Review status: criteria provided, single submitter. Criteria: Ambry Variant Classification Scheme 2023. Collection method: clinical testing. Allele origin: germline.
Comment: The p.K1587Q variant (also known as c.4759A>C), located in coding exon 34 of the ABCA1 gene, results from an A to C substitution at nucleotide position 4759. The lysine at codon 1587 is replaced by glutamine, an amino acid with similar properties. This amino acid position is conserved. In addition, the in silico prediction for this alteration is inconclusive. Since supporting evidence is limited at this time, the clinical significance of this alteration remains unclear.

NM_005502.4(ABCA1):c.4759A>C (p.Lys1587Gln)

Gene: ABCA1 (ATP binding cassette subfamily A member 1; minus strand). Cytogenetic location: 9q31.1.
Variant type: single nucleotide variant.
Coding change: c.4759A>C on transcript NM_005502.4 (MANE Select); coding-DNA position 4759, A replaced by C.
Protein change: p.Lys1587Gln; replaces lysine 1587 with glutamine.
Molecular consequence: missense variant.
Genome position (GRCh38, 1-based): chr9:104,800,524, T>G on the plus strand (A>C on the coding strand, the complement: ABCA1 is on the minus strand). VCF-style: chr9-104800524-T-G. GRCh37 (hg19) VCF-style: chr9-107562805-T-G.
Other names: short protein forms K1587Q.
Identifiers: ClinVar variation 1742871 (VCV001742871.2), dbSNP rs757194699, ClinGen allele CA5168029.